The following is an entry in ClinVar:

ClinVar aggregate classification (germline): Uncertain significance (1 of 4 stars; one submission).

Conditions:
Hypertrophic cardiomyopathy. Also called: HYPERTROPHIC MYOCARDIOPATHY. Identifiers: Orphanet 217569, MedGen C0007194, MeSH D002312, MONDO:0005045, HP:0001639.

Allele frequency attached by ClinVar (database versions not stated): gnomAD 0.00001; TOPMed 0.00001.
gnomAD v4.1: 1 of 1,613,926 alleles (0.000062%); highest among the groups gnomAD compares: Admixed American, 0.0017%; no homozygotes.

Submission:

Labcorp Genetics (formerly Invitae), Labcorp
Classification: Uncertain significance for Hypertrophic cardiomyopathy. Last evaluated: 2022-03-26. Review status: criteria provided, single submitter. Criteria: Invitae Variant Classification Sherloc (09022015). Collection method: clinical testing. Allele origin: germline.
Comment: This sequence change replaces proline, which is neutral and non-polar, with serine, which is neutral and polar, at codon 180 of the MYOZ2 protein (p.Pro180Ser). In summary, the available evidence is currently insufficient to determine the role of this variant in disease. Therefore, it has been classified as a Variant of Uncertain Significance. Algorithms developed to predict the effect of missense changes on protein structure and function are either unavailable or do not agree on the potential impact of this missense change (SIFT: "Deleterious"; PolyPhen-2: "Probably Damaging"; Align-GVGD: "Class C0"). This variant has not been reported in the literature in individuals affected with MYOZ2-related conditions. This variant is not present in population databases (gnomAD no frequency).

NM_016599.5(MYOZ2):c.538C>T (p.Pro180Ser)

Gene: MYOZ2 (myozenin 2; plus strand). Cytogenetic location: 4q26.
Variant type: single nucleotide variant.
Coding change: c.538C>T on transcript NM_016599.5 (MANE Select); coding-DNA position 538, C replaced by T.
Protein change: p.Pro180Ser; replaces proline 180 with serine.
Molecular consequence: missense variant.
Genome position (GRCh38, 1-based): chr4:119,164,372, C>T. VCF-style: chr4-119164372-C-T. GRCh37 (hg19) VCF-style: chr4-120085527-C-T.
Other names: short protein forms P180S.
Identifiers: ClinVar variation 2117456 (VCV002117456.4), dbSNP rs969936455, ClinGen allele CA104971830.